The following is an entry in ClinVar:

ClinVar aggregate classification (germline): Uncertain significance (1 of 4 stars; one submission).

Allele frequency attached by ClinVar (database versions not stated): gnomAD exomes 0.00006 and 0.00007; gnomAD 0.00007 and 0.00009; ExAC 0.00008; ESP Exome Variant Server 0.00015; 1000 Genomes Project 0.00060; TOPMed 0.00003; 1000 Genomes Project 30x 0.00047.

Submission:

Labcorp Genetics (formerly Invitae), Labcorp
Classification: Uncertain significance. Last evaluated: 2025-11-26. Review status: criteria provided, single submitter. Criteria: Invitae Variant Classification Sherloc (09022015). Collection method: clinical testing. Allele origin: germline.
Comment: This sequence change replaces arginine, which is basic and polar, with histidine, which is basic and polar, at codon 157 of the LRRC10 protein (p.Arg157His). This variant is present in population databases (rs140782746, gnomAD 0.02%). This variant has not been reported in the literature in individuals affected with LRRC10-related conditions. ClinVar contains an entry for this variant (Variation ID: 847295). An algorithm developed to predict the effect of missense changes on protein structure and function (PolyPhen-2) suggests that this variant is likely to be tolerated. In summary, the available evidence is currently insufficient to determine the role of this variant in disease. Therefore, it has been classified as a Variant of Uncertain Significance.

NM_201550.4(LRRC10):c.470G>A (p.Arg157His)

Gene: LRRC10 (leucine rich repeat containing 10; minus strand). Cytogenetic location: 12q15.
Variant type: single nucleotide variant.
Coding change: c.470G>A on transcript NM_201550.4 (MANE Select); coding-DNA position 470, G replaced by A.
Protein change: p.Arg157His; replaces arginine 157 with histidine.
Molecular consequence: missense variant.
Genome position (GRCh38, 1-based): chr12:69,610,369, C>T on the plus strand (G>A on the coding strand, the complement: LRRC10 is on the minus strand). VCF-style: chr12-69610369-C-T. GRCh37 (hg19) VCF-style: chr12-70004149-C-T.
Other names: short protein forms R157H.
Identifiers: ClinVar variation 847295 (VCV000847295.8), dbSNP rs140782746, ClinGen allele CA6681060.